The following is an entry in ClinVar:

NM_004006.3(DMD):c.4890T>A (p.Ser1630Arg)

Gene: DMD (dystrophin; minus strand). Cytogenetic location: Xp21.1.
Variant type: single nucleotide variant.
Coding change: c.4890T>A on transcript NM_004006.3 (MANE Select); coding-DNA position 4890, T replaced by A.
Protein change: p.Ser1630Arg; replaces serine 1630 with arginine.
Molecular consequence: missense variant.
Genome position (GRCh38, 1-based): chrX:32,365,155, A>T on the plus strand (T>A on the coding strand, the complement: DMD is on the minus strand). VCF-style: chrX-32365155-A-T. GRCh37 (hg19) VCF-style: chrX-32383272-A-T.
Other names: c.4866T>A, p.Ser1622Arg (NM_000109.4); c.4878T>A, p.Ser1626Arg (NM_004009.3); c.4521T>A, p.Ser1507Arg (NM_004010.3); c.867T>A, p.Ser289Arg (NM_004011.4); c.858T>A, p.Ser286Arg (NM_004012.4); short protein forms S1622R, S1630R, S286R, S1626R, S289R, S1507R.
Identifiers: ClinVar variation 660598 (VCV000660598.9), dbSNP rs1603631755, ClinGen allele CA412672375.
Genomic context (GRCh38, chrX:32,365,155, plus strand): 5'-TTCCACCAACGTCTCCTTCTTGCCCAAAACTGTTTTCAAGGCCTCTCCTACCTCTGTGAT[A>T]CTCTTCAGGTGCACCTTCTGTTTCTCAATCTCTTTTTGAGTAGCCTGTGAAAAGGAGAGC-3'
Protein context (NP_003997.2, residues 1620-1640): EIEKQKVHLK[Ser1630Arg]ITEVGEALKT

ClinVar aggregate classification (germline): Uncertain significance. Review status: criteria provided, multiple submitters, no conflicts (2 of 4 stars). 3 submissions from 3 submitters: Uncertain significance (2). 1 of the submissions does not count toward it. Last evaluated 2024-02-24.

Conditions:
Duchenne muscular dystrophy (DMD). Also called: MUSCULAR DYSTROPHY, PSEUDOHYPERTROPHIC PROGRESSIVE, DUCHENNE TYPE; Duchenne Muscular Dystrophy (DMD). Identifiers: Orphanet 98896, MedGen C0013264, MONDO:0010679, OMIM 310200.
Dystrophin deficiency.
Becker muscular dystrophy (BMD). Also called: MUSCULAR DYSTROPHY, PSEUDOHYPERTROPHIC PROGRESSIVE, BECKER TYPE; Becker Muscular Dystrophy (BMD). Identifiers: Orphanet 98895, MedGen C0917713, MONDO:0010311, OMIM 300376.
Cardiomyopathy (CMYO). Also called: Cardiomyopathies. Identifiers: Orphanet 167848, MedGen C0878544, MONDO:0004994, HP:0001638. Inheritance: Various modes of inheritance.

Allele frequency attached by ClinVar (database versions not stated): gnomAD exomes below 0.00001.
gnomAD v4.1: 2 of 1,210,441 alleles (0.00017%); highest among the groups gnomAD compares: Admixed American, 0.0044%; no homozygotes.

Submissions (3):

Labcorp Genetics (formerly Invitae), Labcorp
Classification: Uncertain significance for Duchenne muscular dystrophy. Last evaluated: 2024-02-24. Review status: criteria provided, single submitter. Criteria: Invitae Variant Classification Sherloc (09022015). Collection method: clinical testing. Allele origin: germline.
Comment: This sequence change replaces serine, which is neutral and polar, with arginine, which is basic and polar, at codon 1630 of the DMD protein (p.Ser1630Arg). This variant is not present in population databases (gnomAD no frequency). This variant has not been reported in the literature in individuals affected with DMD-related conditions. ClinVar contains an entry for this variant (Variation ID: 660598). Advanced modeling of protein sequence and biophysical properties (such as structural, functional, and spatial information, amino acid conservation, physicochemical variation, residue mobility, and thermodynamic stability) performed at Invitae indicates that this missense variant is not expected to disrupt DMD protein function with a negative predictive value of 95%. In summary, the available evidence is currently insufficient to determine the role of this variant in disease. Therefore, it has been classified as a Variant of Uncertain Significance.

GeneDx
Classification: Uncertain significance. Last evaluated: 2019-03-30. Review status: criteria provided, single submitter. Criteria: GeneDx Variant Classification Process June 2021. Collection method: clinical testing. Allele origin: germline. Affected: yes.
Comment: Not observed in large population cohorts (Lek et al., 2016); In silico analysis, which includes protein predictors and evolutionary conservation, supports a deleterious effect; Missense variant in a gene in which most reported pathogenic variants are truncating/loss-of-function; Has not been previously published as pathogenic or benign to our knowledge

Natera, Inc.
Classification: Uncertain significance for Becker muscular dystrophy; Cardiomyopathy; Duchenne muscular dystrophy; Dystrophin deficiency. Last evaluated: 2019-07-08. Review status: no assertion criteria provided. Collection method: clinical testing. Allele origin: germline. Not counted in ClinVar's aggregate classification.